The following is an entry in ClinVar:

NM_002979.5(SCP2):c.675-1G>C

Gene: SCP2 (sterol carrier protein 2; plus strand). Cytogenetic location: 1p32.3.
Variant type: single nucleotide variant.
Coding change: c.675-1G>C on transcript NM_002979.5 (MANE Select); the canonical splice acceptor site of the intron before coding-DNA position 675, G replaced by C.
Molecular consequence: splice acceptor variant.
Genome position (GRCh38, 1-based): chr1:52,978,216, G>C. VCF-style: chr1-52978216-G-C. GRCh37 (hg19) VCF-style: chr1-53443888-G-C.
Other names: c.543-1G>C (NM_001193600.2, NM_001007098.3); c.603-1G>C (NM_001193599.2); c.432-1G>C (NM_001193617.2); c.675-1G>C (NM_001330587.2).
Identifiers: ClinVar variation 1953544 (VCV001953544.5), dbSNP rs1318177330, ClinGen allele CA340381176.

ClinVar aggregate classification (germline): Likely pathogenic (1 of 4 stars; one submission).

Allele frequency attached by ClinVar (database versions not stated): gnomAD exomes below 0.00001; TOPMed below 0.00001.
gnomAD v4.1: 2 of 1,613,426 alleles (0.00012%); highest among the groups gnomAD compares: Admixed American, 0.0033%; no homozygotes.

Submission:

Labcorp Genetics (formerly Invitae), Labcorp
Classification: Likely pathogenic. Last evaluated: 2024-07-20. Review status: criteria provided, single submitter. Criteria: Invitae Variant Classification Sherloc (09022015). Collection method: clinical testing. Allele origin: germline.
Comment: This sequence change affects an acceptor splice site in intron 8 of the SCP2 gene. It is expected to disrupt RNA splicing. Variants that disrupt the donor or acceptor splice site typically lead to a loss of protein function (PMID: 16199547), and loss-of-function variants in SCP2 are known to be pathogenic (PMID: 16685654, 26497993). This variant is present in population databases (no rsID available, gnomAD 0.006%). This variant has not been reported in the literature in individuals affected with SCP2-related conditions. ClinVar contains an entry for this variant (Variation ID: 1953544). Algorithms developed to predict the effect of sequence changes on RNA splicing suggest that this variant may disrupt the consensus splice site. In summary, the currently available evidence indicates that the variant is pathogenic, but additional data are needed to prove that conclusively. Therefore, this variant has been classified as Likely Pathogenic.

Literature cited by the submitters: PubMed 16199547; PubMed 16685654; PubMed 26497993.